The following is an entry in ClinVar:

ClinVar aggregate classification (germline): Uncertain significance (1 of 4 stars; one submission).

Conditions:
X-linked severe congenital neutropenia (SCNX). Identifiers: Orphanet 86788, MedGen C1845987, MONDO:0010294, OMIM 300299.
Thrombocytopenia 1. Also called: X-Linked Thrombocytopenia (XLT); THROMBOCYTOPENIA, X-LINKED, 1; X-linked thrombocytopenia with normal platelets. Identifiers: Orphanet 268322, Orphanet 852, MedGen C1839163, MONDO:0010743, OMIM 313900.
Wiskott-Aldrich syndrome (WAS). Also called: Wiskott-aldrich syndrome, somatic; ALDRICH SYNDROME; IMMUNODEFICIENCY 2; WISKOTT-ALDRICH SYNDROME 1. Identifiers: Orphanet 906, MedGen C0043194, MONDO:0010518, OMIM 301000.

Allele frequency attached by ClinVar (database versions not stated): gnomAD 0.00002; TOPMed 0.00006.
gnomAD v4.1: 51 of 1,197,493 alleles (0.0043%); highest among the groups gnomAD compares: African/African-American, 0.0088%; no homozygotes.

Submission:

Labcorp Genetics (formerly Invitae), Labcorp
Classification: Uncertain significance for Wiskott-Aldrich syndrome; X-linked severe congenital neutropenia; Thrombocytopenia 1. Last evaluated: 2025-11-06. Review status: criteria provided, single submitter. Criteria: Invitae Variant Classification Sherloc (09022015). Collection method: clinical testing. Allele origin: germline.
Comment: This sequence change replaces glycine, which is neutral and non-polar, with arginine, which is basic and polar, at codon 423 of the WAS protein (p.Gly423Arg). The frequency data for this variant in the population databases is considered unreliable, as metrics indicate poor data quality at this position in the gnomAD database. This variant has not been reported in the literature in individuals affected with WAS-related conditions. ClinVar contains an entry for this variant (Variation ID: 2159271). Invitae Evidence Modeling of protein sequence and biophysical properties (such as structural, functional, and spatial information, amino acid conservation, physicochemical variation, residue mobility, and thermodynamic stability) indicates that this missense variant is expected to disrupt WAS protein function with a positive predictive value of 80%. In summary, the available evidence is currently insufficient to determine the role of this variant in disease. Therefore, it has been classified as a Variant of Uncertain Significance.

NM_000377.3(WAS):c.1267G>A (p.Gly423Arg)

Gene: WAS (WASP actin nucleation promoting factor; plus strand). Cytogenetic location: Xp11.23.
Variant type: single nucleotide variant.
Coding change: c.1267G>A on transcript NM_000377.3 (MANE Select); coding-DNA position 1267, G replaced by A.
Protein change: p.Gly423Arg; replaces glycine 423 with arginine.
Molecular consequence: missense variant.
Genome position (GRCh38, 1-based): chrX:48,688,995, G>A. VCF-style: chrX-48688995-G-A. GRCh37 (hg19) VCF-style: chrX-48547384-G-A.
Other names: short protein forms G423R.
Identifiers: ClinVar variation 2159271 (VCV002159271.3), dbSNP rs782711732, ClinGen allele CA10404063.
Genomic context (GRCh38, chrX:48,688,995, plus strand): 5'-CCGCCCAGCTCCGGGAATGGACCAGCCCCTCCCCCACTCCCTCCTGCTCTGGTGCCTGCC[G>A]GGGGCCTGGCCCCTGGTGGGGGTCGGGGAGCGCTTTTGGATCAAATCCGGCAGGGAATTC-3'
Protein context (NP_000368.1, residues 413-433): PPLPPALVPA[Gly423Arg]GLAPGGGRGA